The following is an entry in ClinVar:

ClinVar aggregate classification (germline): Likely pathogenic (1 of 4 stars; one submission).

Conditions:
Mitochondrial trifunctional protein deficiency 2 (MTPD2). Identifiers: MedGen C5830374, MONDO:0958185, OMIM 620300.

Submission:

Juno Genomics, Hangzhou Juno Genomics, Inc
Classification: Likely pathogenic for Mitochondrial trifunctional protein deficiency 2. Review status: criteria provided, single submitter. Criteria: ACMG Guidelines, 2015. Collection method: clinical testing. Allele origin: germline.
Comment: Null variant in a gene where loss of function (LOF) is a known mechanism of disease.;Absent from controls (or at extremely low frequency if recessive) in Genome Aggregation Database.

NM_000183.3(HADHB):c.110-1G>T

Gene: HADHB (hydroxyacyl-CoA dehydrogenase trifunctional multienzyme complex subunit beta; plus strand). Cytogenetic location: 2p23.3.
Variant type: single nucleotide variant.
Coding change: c.110-1G>T on transcript NM_000183.3 (MANE Select); the canonical splice acceptor site of the intron before coding-DNA position 110, G replaced by T.
Molecular consequence: splice acceptor variant.
Genome position (GRCh38, 1-based): chr2:26,263,379, G>T. VCF-style: chr2-26263379-G-T. GRCh37 (hg19) VCF-style: chr2-26486247-G-T.
Other names: c.44-1G>T (NM_001281513.2); c.110-1G>T (NM_001281512.2).
Identifiers: ClinVar variation 5006267 (VCV005006267.2).